The following is an entry in ClinVar:

ClinVar aggregate classification (germline): Pathogenic (1 of 4 stars; one submission).

Conditions:
Wiedemann-Steiner syndrome (WDSTS). Also called: Growth deficiency and mental retardation with facial dysmorphism. Identifiers: Orphanet 319182, MedGen C1854630, MONDO:0011518, OMIM 605130.

Submission:

Institute of Human Genetics, FAU Erlangen, Friedrich-Alexander-Universität Erlangen-Nürnberg
Classification: Pathogenic for Wiedemann-Steiner syndrome. Last evaluated: 2017-08-01. Review status: criteria provided, single submitter. Criteria: ACMG Guidelines, 2015. Collection method: clinical testing. Allele origin: de novo. Inheritance: Sporadic. Affected: yes. Observed: 1 variant allele, 1 heterozygote.

NM_001197104.2(KMT2A):c.3334+1G>A

Gene: KMT2A (lysine methyltransferase 2A; plus strand). Cytogenetic location: 11q23.3.
Variant type: single nucleotide variant.
Coding change: c.3334+1G>A on transcript NM_001197104.2 (MANE Select); the canonical splice donor site of the intron after coding-DNA position 3334, G replaced by A.
Molecular consequence: splice donor variant.
Genome position (GRCh38, 1-based): chr11:118,476,983, G>A. VCF-style: chr11-118476983-G-A. GRCh37 (hg19) VCF-style: chr11-118347698-G-A.
Other names: c.3433+1G>A (NM_001412597.1); c.3334+1G>A (NM_005933.4).
Identifiers: ClinVar variation 431178 (VCV000431178.3), dbSNP rs1135401764, ClinGen allele CA382824210.
Genomic context (GRCh38, chr11:118,476,983, plus strand): 5'-CCCTGAGTGCCTTACCATGGGAAGAACGAGAAAAGATTTTGTCTTCCATGGGGAATGATG[G>A]TAGGTCAAGAAGGTCAATCTTGGAGTCGGAACAGACTTTTGATTTGTTTGTTGATTATTC-3'